The following is an entry in ClinVar:

ClinVar aggregate classification (germline): Benign (3 of 4 stars; one submission).

Conditions:
Breast-ovarian cancer, familial, susceptibility to, 2 (BROVCA2). Also called: BRCA2 Hereditary Breast and Ovarian Cancer. Identifiers: Orphanet 145, MedGen C2675520, MONDO:0012933, OMIM 612555. Disease mechanism: loss of function.

Allele frequency attached by ClinVar (database versions not stated): gnomAD 0.00123 and 0.00153; TOPMed 0.00131; 1000 Genomes Project 0.00260; 1000 Genomes Project 30x 0.00265.
gnomAD v4.1: 236 of 152,350 alleles (0.15%); highest among the groups gnomAD compares: South Asian, 1.1%; 2 homozygotes.

Submission:

Evidence-based Network for the Interpretation of Germline Mutant Alleles (ENIGMA)
Classification: Benign for Breast-ovarian cancer, familial, susceptibility to, 2. Last evaluated: 2016-09-28. Review status: reviewed by expert panel. Criteria: ENIGMA BRCA1/2 Classification Criteria (2015). Collection method: curation. Allele origin: germline.
Comment: Class 1 not pathogenic based on frequency >1% in an outbred sampleset. Frequency 0.0123 (South Asian), derived from 1000 genomes (2013-05-02).

NM_000059.4(BRCA2):c.682-602C>T

Gene: BRCA2 (BRCA2 DNA repair associated; plus strand). Cytogenetic location: 13q13.1.
Variant type: single nucleotide variant.
Coding change: c.682-602C>T on transcript NM_000059.4 (MANE Select); 602 bases into the intron before coding-DNA position 682, C replaced by T.
Molecular consequence: intron variant.
Genome position (GRCh38, 1-based): chr13:32,330,317, C>T. VCF-style: chr13-32330317-C-T. GRCh37 (hg19) VCF-style: chr13-32904454-C-T.
Identifiers: ClinVar variation 264962 (VCV000264962.1), dbSNP rs11571634, ClinGen allele CA10588086.